The following is an entry in ClinVar:

ClinVar aggregate classification (germline): Benign (1 of 4 stars; one submission).

Allele frequency attached by ClinVar (database versions not stated): gnomAD 0.00033; gnomAD exomes 0.00035; TOPMed 0.00036.
gnomAD v4.1: 139 of 398,628 alleles (0.035%); highest among the groups gnomAD compares: Middle Eastern, 0.25%; 1 homozygote.

Submission:

CeGaT Center for Human Genetics Tuebingen
Classification: Benign. Last evaluated: 2026-01-01. Review status: criteria provided, single submitter. Criteria: CeGaT Center For Human Genetics Tuebingen Variant Classification Criteria Version 2. Collection method: clinical testing. Allele origin: germline. Affected: yes. Observed: 5 variant alleles.
Comment: KCNQ1OT1: BS1, BS2

NM_000218.3(KCNQ1):c.1393+24102T>A

Genes: KCNQ1 (potassium voltage-gated channel subfamily Q member 1; plus strand), KCNQ1OT1 (KCNQ1 opposite strand/antisense transcript 1; minus strand). Cytogenetic location: 11p15.5.
Variant type: single nucleotide variant.
Coding change: c.1393+24102T>A on transcript NM_000218.3 (MANE Select); 24102 bases into the intron after coding-DNA position 1393, T replaced by A.
Molecular consequence: intron variant. On other transcripts: non-coding transcript variant (1).
Genome position (GRCh38, 1-based): chr11:2,612,956, T>A. VCF-style: chr11-2612956-T-A. GRCh37 (hg19) VCF-style: chr11-2634186-T-A.
Other names: c.1123+24102T>A (NM_001406837.1); c.1297+24102T>A (NM_001406836.1); c.853+24102T>A (NM_001406838.1); c.1012+24102T>A (NM_181798.2).
Identifiers: ClinVar variation 2641370 (VCV002641370.24), dbSNP rs781622334, ClinGen allele CA216358007.